The following is an entry in ClinVar:

ClinVar aggregate classification (germline): Pathogenic. Review status: criteria provided, single submitter (1 of 4 stars). 2 submissions from 2 submitters: Pathogenic (1). 1 of the submissions does not count toward it. Last evaluated 2024-10-03.

Conditions:
Birt-Hogg-Dube syndrome 1 (BHD1). Also called: FIBROFOLLICULOMAS WITH TRICHODISCOMAS AND ACROCHORDONS. Identifiers: Orphanet 122, MedGen CN375946, MONDO:0800445, OMIM 135150.
Birt-Hogg-Dube syndrome. Also called: Birt Hogg Dubé syndrome. Identifiers: Orphanet 122, MedGen C0346010, MONDO:0800444.

Submissions (2):

Myriad Genetics, Inc.
Classification: Pathogenic for Birt-Hogg-Dube syndrome 1. Last evaluated: 2024-10-03. Review status: criteria provided, single submitter. Criteria: Myriad Autosomal Dominant, Autosomal Recessive and X-Linked Classification Criteria (2023). Collection method: clinical testing. Allele origin: unknown.
Comment: This variant is considered pathogenic. This variant creates a termination codon and is predicted to result in premature protein truncation.

Division of Respiratory Medicine of Juntendo University, Juntendo University Faculty of Medicine and Graduate School of Medicine
Classification: Pathogenic for Birt-Hogg-Dube syndrome 1. Last evaluated: 2023-07-01. Review status: no assertion criteria provided. Collection method: clinical testing. Allele origin: germline. Affected: yes. Not counted in ClinVar's aggregate classification.

NM_144997.7(FLCN):c.318C>G (p.Tyr106Ter)

Gene: FLCN (folliculin; minus strand). Cytogenetic location: 17p11.2.
Variant type: single nucleotide variant.
Coding change: c.318C>G on transcript NM_144997.7 (MANE Select); coding-DNA position 318, C replaced by G.
Protein change: p.Tyr106Ter; replaces tyrosine 106 with a stop codon.
Molecular consequence: nonsense.
Genome position (GRCh38, 1-based): chr17:17,226,254, G>C on the plus strand (C>G on the coding strand, the complement: FLCN is on the minus strand). VCF-style: chr17-17226254-G-C. GRCh37 (hg19) VCF-style: chr17-17129568-G-C.
Other names: c.318C>G, p.Tyr106Ter (NM_001353229.2, NM_001353230.2, NM_001353231.2 and 1 more transcripts); short protein forms Y106*.
Identifiers: ClinVar variation 2578485 (VCV002578485.2), dbSNP rs773946854, ClinGen allele CA398534852.